The following is an entry in ClinVar:

ClinVar aggregate classification (germline): Uncertain significance (1 of 4 stars; one submission).

gnomAD v4.1: 1 of 1,613,962 alleles (0.000062%); highest among the groups gnomAD compares: African/African-American, 0.0013%; no homozygotes.

Submission:

Labcorp Genetics (formerly Invitae), Labcorp
Classification: Uncertain significance. Last evaluated: 2025-12-26. Review status: criteria provided, single submitter. Criteria: Invitae Variant Classification Sherloc (09022015). Collection method: clinical testing. Allele origin: germline.
Comment: This sequence change replaces arginine, which is basic and polar, with lysine, which is basic and polar, at codon 395 of the FBLN1 protein (p.Arg395Lys). This variant is not present in population databases (gnomAD no frequency). This variant has not been reported in the literature in individuals affected with FBLN1-related conditions. An algorithm developed to predict the effect of missense changes on protein structure and function (PolyPhen-2) suggests that this variant is likely to be disruptive. In summary, the available evidence is currently insufficient to determine the role of this variant in disease. Therefore, it has been classified as a Variant of Uncertain Significance.

NM_006486.3(FBLN1):c.1184G>A (p.Arg395Lys)

Gene: FBLN1 (fibulin 1; plus strand). Cytogenetic location: 22q13.31.
Variant type: single nucleotide variant.
Coding change: c.1184G>A on transcript NM_006486.3 (MANE Select); coding-DNA position 1184, G replaced by A.
Protein change: p.Arg395Lys; replaces arginine 395 with lysine.
Molecular consequence: missense variant.
Genome position (GRCh38, 1-based): chr22:45,542,272, G>A. VCF-style: chr22-45542272-G-A. GRCh37 (hg19) VCF-style: chr22-45938152-G-A.
Other names: c.1184G>A, p.Arg395Lys (NM_001996.4, NM_006485.4, NM_006487.3); short protein forms R395K.
Identifiers: ClinVar variation 4808068 (VCV004808068.1).